The following is an entry in ClinVar:

NC_000002.11:g.(?_21229172)_(21237720_?)del

Gene: APOB (apolipoprotein B; minus strand). Cytogenetic location: 2p24.1.
Variant type: Deletion.
Identifiers: ClinVar variation 1496923 (VCV001496923.5).

ClinVar aggregate classification (germline): Likely pathogenic (1 of 4 stars; one submission).

Conditions:
Familial hypobetalipoproteinemia 1. Also called: APOB-Related Familial Hypobetalipoproteinemia; Hypobetalipoproteinemia, normotriglyceridemic; Acanthocytosis with hypobetalipoproteinemia. Identifiers: MedGen C4551990, MONDO:0014252, OMIM 615558.
Hypercholesterolemia, autosomal dominant, type B (FHCL2). Also called: Familial Hypercholesterolemia Type B; APOLIPOPROTEIN B-100, FAMILIAL DEFECTIVE; APOLIPOPROTEIN B-100, FAMILIAL LIGAND-DEFECTIVE; HYPERCHOLESTEROLEMIA, FAMILIAL, DUE TO LIGAND-DEFECTIVE APOLIPOPROTEIN B; Familial hypercholesterolemia 2; Hyperlipoproteinemia Type IIb. Identifiers: MedGen C1704417, MONDO:0007751, OMIM 144010.

Submission:

Labcorp Genetics (formerly Invitae), Labcorp
Classification: Likely pathogenic for Familial hypobetalipoproteinemia 1; Hypercholesterolemia, autosomal dominant, type B. Last evaluated: 2021-04-16. Review status: criteria provided, single submitter. Criteria: Invitae Variant Classification Sherloc (09022015). Collection method: clinical testing. Allele origin: germline.
Comment: In summary, the currently available evidence indicates that the variant is pathogenic, but additional data are needed to prove that conclusively. Therefore, this variant has been classified as Likely Pathogenic. This variant has not been reported in the literature in individuals with APOB-related conditions. This variant results in the deletion of exon(s) 24-25 and part of exon 26 (c.3696+225_10568del) of the APOB gene. It is expected to disrupt RNA splicing. Variants that disrupt the donor or acceptor splice site typically lead to a loss of protein function (PMID: 16199547), and loss-of-function variants in APOB are known to be pathogenic (PMID: 20032471).

Literature cited by the submitters: PubMed 16199547; PubMed 20032471.